The following is an entry in ClinVar:

NM_022089.4(ATP13A2):c.3448C>T (p.Arg1150Trp)

Gene: ATP13A2 (ATPase cation transporting 13A2; minus strand). Cytogenetic location: 1p36.13.
Variant type: single nucleotide variant.
Coding change: c.3448C>T on transcript NM_022089.4 (MANE Select); coding-DNA position 3448, C replaced by T.
Protein change: p.Arg1150Trp; replaces arginine 1150 with tryptophan.
Molecular consequence: missense variant.
Genome position (GRCh38, 1-based): chr1:16,986,316, G>A on the plus strand (C>T on the coding strand, the complement: ATP13A2 is on the minus strand). VCF-style: chr1-16986316-G-A. GRCh37 (hg19) VCF-style: chr1-17312811-G-A.
Other names: c.3433C>T, p.Arg1145Trp (NM_001141973.3); c.3146C>T, p.Pro1049Leu (NM_001141974.3); short protein forms P1049L, R1150W, R1145W.
Identifiers: ClinVar variation 1912256 (VCV001912256.4), dbSNP rs766073047, ClinGen allele CA636480.
Genomic context (GRCh38, chr1:16,986,316, plus strand): 5'-GCTGCTCGGCCAGCTCTCGTTCCAGCTGCTTGAAGCGCTTCTTGGAGGCCCGCTTGGGCC[G>A]GAGGCGGCGCAGGCAGGCGGGGAGGCACTGGTCTAGCACGCTCTGCAAAGGGCAGGGAGG-3'
Protein context (NP_071372.1, residues 1140-1160): QCLPACLRRL[Arg1150Trp]PKRASKKRFK

ClinVar aggregate classification (germline): Uncertain significance. Review status: criteria provided, multiple submitters, no conflicts (2 of 4 stars). 3 submissions from 3 submitters: Uncertain significance (3). Last evaluated 2025-10-08.

Conditions:
Kufor-Rakeb syndrome (KRS). Also called: PARKINSON DISEASE 9, AUTOSOMAL RECESSIVE, JUVENILE-ONSET. Identifiers: Orphanet 306674, Orphanet 314632, MedGen C1847640, MONDO:0011706, OMIM 606693.
Autosomal recessive spastic paraplegia type 78. Identifiers: Orphanet 513436, MedGen C5567893, MONDO:0014975, OMIM 617225.

Allele frequency attached by ClinVar (database versions not stated): ExAC 0.00002; gnomAD 0.00003; TOPMed 0.00003; gnomAD exomes 0.00007.
gnomAD v4.1: 105 of 1,589,158 alleles (0.0066%); highest among the groups gnomAD compares: Non-Finnish European, 0.0084%; no homozygotes.

Submissions (3):

Women's Health and Genetics/Laboratory Corporation of America, LabCorp
Classification: Uncertain significance. Last evaluated: 2025-10-08. Review status: criteria provided, single submitter. Criteria: LabCorp Variant Classification Summary - May 2015. Collection method: clinical testing. Allele origin: germline.
Comment: Variant summary: ATP13A2 c.3448C>T (p.Arg1150Trp) results in a non-conservative amino acid change in the encoded protein sequence. Algorithms developed to predict the effect of missense changes on protein structure and function are either unavailable or do not agree on the potential impact of this missense change. The variant allele was found at a frequency of 3.5e-05 in 198008 control chromosomes. The available data on variant occurrences in the general population are insufficient to allow any conclusion about variant significance. To our knowledge, no occurrence of c.3448C>T in individuals affected with ATP13A2-related conditions and no experimental evidence demonstrating its impact on protein function have been reported. ClinVar contains an entry for this variant (Variation ID: 1912256). Based on the evidence outlined above, the variant was classified as uncertain significance.

Blueprint Genetics
Classification: Uncertain significance. Last evaluated: 2024-05-29. Review status: criteria provided, single submitter. Criteria: ACMG Guidelines, 2015. Collection method: clinical testing. Allele origin: germline.

Labcorp Genetics (formerly Invitae), Labcorp
Classification: Uncertain significance for Kufor-Rakeb syndrome; Autosomal recessive spastic paraplegia type 78. Last evaluated: 2022-08-21. Review status: criteria provided, single submitter. Criteria: Invitae Variant Classification Sherloc (09022015). Collection method: clinical testing. Allele origin: germline.
Comment: This sequence change replaces arginine, which is basic and polar, with tryptophan, which is neutral and slightly polar, at codon 1150 of the ATP13A2 protein (p.Arg1150Trp). The frequency data for this variant in the population databases is considered unreliable, as metrics indicate poor data quality at this position in the gnomAD database. This variant has not been reported in the literature in individuals affected with ATP13A2-related conditions. Advanced modeling of protein sequence and biophysical properties (such as structural, functional, and spatial information, amino acid conservation, physicochemical variation, residue mobility, and thermodynamic stability) performed at Invitae indicates that this missense variant is not expected to disrupt ATP13A2 protein function. In summary, the available evidence is currently insufficient to determine the role of this variant in disease. Therefore, it has been classified as a Variant of Uncertain Significance.